The following is an entry in ClinVar:

ClinVar aggregate classification (germline): Conflicting classifications of pathogenicity. Review status: criteria provided, conflicting classifications (1 of 4 stars). 2 submissions from 2 submitters: Likely pathogenic (1); Uncertain significance (1). Last evaluated 2025-12-29.

Conditions:
Inborn genetic diseases. Identifiers: MedGen C0950123, MeSH D030342.
Congenital myasthenic syndrome 12 (CMS12). Also called: MYASTHENIC SYNDROME, CONGENITAL, WITH TUBULAR AGGREGATES 1; Myasthenia, congenital, 12, with tubular aggregates. Identifiers: Orphanet 353327, Orphanet 590, MedGen C3552335, MONDO:0012518, OMIM 610542.

Allele frequency attached by ClinVar (database versions not stated): gnomAD exomes below 0.00001 and 0.00002; gnomAD 0.00001; TOPMed 0.00001; ExAC 0.00002; 1000 Genomes Project 0.00020; 1000 Genomes Project 30x 0.00031.
gnomAD v4.1: 7 of 1,577,934 alleles (0.00044%); highest among the groups gnomAD compares: Admixed American, 0.01%; no homozygotes.

Submissions (2):

Labcorp Genetics (formerly Invitae), Labcorp
Classification: Likely pathogenic for Congenital myasthenic syndrome 12. Last evaluated: 2025-12-29. Review status: criteria provided, single submitter. Criteria: Invitae Variant Classification Sherloc (09022015). Collection method: clinical testing. Allele origin: germline.
Comment: This sequence change replaces aspartic acid, which is acidic and polar, with glycine, which is neutral and non-polar, at codon 70 of the GFPT1 protein (p.Asp70Gly). This variant is present in population databases (rs530830788, gnomAD 0.009%). This missense change has been observed in individual(s) with GFPT1-related conditions (internal data). In at least one individual the data is consistent with being in trans (on the opposite chromosome) from a pathogenic variant. ClinVar contains an entry for this variant (Variation ID: 540352). Invitae Evidence Modeling of protein sequence and biophysical properties (such as structural, functional, and spatial information, amino acid conservation, physicochemical variation, residue mobility, and thermodynamic stability) indicates that this missense variant is not expected to disrupt GFPT1 protein function with a negative predictive value of 80%. In summary, the currently available evidence indicates that the variant is pathogenic, but additional data are needed to prove that conclusively. Therefore, this variant has been classified as Likely Pathogenic.

Ambry Genetics
Classification: Uncertain significance for Inborn genetic diseases. Last evaluated: 2025-09-28. Review status: criteria provided, single submitter. Criteria: Ambry Variant Classification Scheme 2023. Collection method: clinical testing. Allele origin: germline.

NM_001244710.2(GFPT1):c.209A>G (p.Asp70Gly)

Gene: GFPT1 (glutamine--fructose-6-phosphate transaminase 1; minus strand). Cytogenetic location: 2p13.3.
Variant type: single nucleotide variant.
Coding change: c.209A>G on transcript NM_001244710.2 (MANE Select); coding-DNA position 209, A replaced by G.
Protein change: p.Asp70Gly; replaces aspartic acid 70 with glycine.
Molecular consequence: missense variant.
Genome position (GRCh38, 1-based): chr2:69,370,015, T>C on the plus strand (A>G on the coding strand, the complement: GFPT1 is on the minus strand). VCF-style: chr2-69370015-T-C. GRCh37 (hg19) VCF-style: chr2-69597147-T-C.
Other names: c.209A>G, p.Asp70Gly (NM_002056.4); short protein forms D70G.
Identifiers: ClinVar variation 540352 (VCV000540352.9), dbSNP rs530830788, ClinGen allele CA1693957.